The following is an entry in ClinVar:

ClinVar aggregate classification (germline): Uncertain significance (1 of 4 stars; one submission).

Conditions:
TAOK2-related disorder. Also called: TAOK2-related condition.

Submission:

3billion
Classification: Uncertain significance for TAOK2-related disorder. Last evaluated: 2025-12-02. Review status: criteria provided, single submitter. Criteria: ACMG Guidelines, 2015. Collection method: clinical testing. Allele origin: germline. Affected: yes.
Comment: The variant is not observed in the gnomAD v4.1.0 dataset. Predicted Consequence/Location: Intron variant In silico tools predict the variant to alter splicing and produce an abnormal transcript [SpliceAI: 0.18 (spliceogenicity >=0.2, non-spliceogenicity <0.1)]. Therefore, this variant is classified as VUS according to the recommendation of ACMG/AMP guideline.

NM_016151.4(TAOK2):c.832-268T>C

Gene: TAOK2 (TAO kinase 2; plus strand). Cytogenetic location: 16p11.2.
Variant type: single nucleotide variant.
Coding change: c.832-268T>C on transcript NM_016151.4 (MANE Select); 268 bases into the intron before coding-DNA position 832, T replaced by C.
Molecular consequence: intron variant.
Genome position (GRCh38, 1-based): chr16:29,982,466, T>C. VCF-style: chr16-29982466-T-C. GRCh37 (hg19) VCF-style: chr16-29993787-T-C.
Other names: c.832-268T>C (NM_004783.4, NM_001252043.2).
Identifiers: ClinVar variation 4854312 (VCV004854312.1).